The following is an entry in ClinVar:

ClinVar aggregate classification (germline): Uncertain significance (1 of 4 stars; one submission).

Conditions:
Hereditary cancer-predisposing syndrome. Also called: Neoplastic Syndromes, Hereditary; Tumor predisposition; Hereditary Cancer Syndrome; Hereditary neoplastic syndrome. Identifiers: Orphanet 140162, MedGen C0027672, MeSH D009386, MONDO:0015356.

Submission:

Ambry Genetics
Classification: Uncertain significance for Hereditary cancer-predisposing syndrome. Last evaluated: 2022-09-27. Review status: criteria provided, single submitter. Criteria: Ambry Variant Classification Scheme 2023. Collection method: clinical testing. Allele origin: germline.
Comment: The p.S1100Y variant (also known as c.3299C>A), located in coding exon 15 of the APC gene, results from a C to A substitution at nucleotide position 3299. The serine at codon 1100 is replaced by tyrosine, an amino acid with dissimilar properties. This amino acid position is conserved. In addition, in silico predictors for this gene do not accurately predict pathogenicity. Since supporting evidence is limited at this time, the clinical significance of this alteration remains unclear.

NM_000038.6(APC):c.3299C>A (p.Ser1100Tyr)

Gene: APC (APC regulator of Wnt signaling pathway; plus strand). Cytogenetic location: 5q22.2.
Variant type: single nucleotide variant.
Coding change: c.3299C>A on transcript NM_000038.6 (MANE Select); coding-DNA position 3299, C replaced by A.
Protein change: p.Ser1100Tyr; replaces serine 1100 with tyrosine.
Molecular consequence: missense variant.
Genome position (GRCh38, 1-based): chr5:112,838,893, C>A. VCF-style: chr5-112838893-C-A. GRCh37 (hg19) VCF-style: chr5-112174590-C-A.
Other names: c.3299C>A, p.Ser1100Tyr (NM_001127510.3, NM_001354895.2, NM_001407450.1); c.3245C>A, p.Ser1082Tyr (NM_001127511.3); c.3353C>A, p.Ser1118Tyr (NM_001354896.2, NM_001407447.1, NM_001407448.1 and 1 more transcripts); c.3329C>A, p.Ser1110Tyr (NM_001354897.2); c.3224C>A, p.Ser1075Tyr (NM_001354898.2); c.3215C>A, p.Ser1072Tyr (NM_001354899.2); c.3176C>A, p.Ser1059Tyr (NM_001354900.2); c.3122C>A, p.Ser1041Tyr (NM_001354901.2, NM_001407453.1); and 11 more; short protein forms S1017Y, S1082Y, S1090Y, S1100Y, S940Y, S1072Y, S971Y, S999Y.
Identifiers: ClinVar variation 1729910 (VCV001729910.2), dbSNP rs863224541, ClinGen allele CA16028578.
Genomic context (GRCh38, chr5:112,838,893, plus strand): 5'-AGAGCACTGATGATAAACACCTCAAGTTCCAACCACATTTTGGACAGCAGGAATGTGTTT[C>A]TCCATACAGGTCACGGGGAGCCAATGGTTCAGAAACAAATCGAGTGGGTTCTAATCATGG-3'
Protein context (NP_000029.2, residues 1090-1110): QPHFGQQECV[Ser1100Tyr]PYRSRGANGS